The following is an entry in ClinVar:

NM_004714.3(DYRK1B):c.63+7G>A

Gene: DYRK1B (dual specificity tyrosine phosphorylation regulated kinase 1B; minus strand). Cytogenetic location: 19q13.2.
Variant type: single nucleotide variant.
Coding change: c.63+7G>A on transcript NM_004714.3 (MANE Select); 7 bases into the intron after coding-DNA position 63, G replaced by A.
Molecular consequence: intron variant.
Genome position (GRCh38, 1-based): chr19:39,831,798, C>T on the plus strand (G>A on the coding strand, the complement: DYRK1B is on the minus strand). VCF-style: chr19-39831798-C-T. GRCh37 (hg19) VCF-style: chr19-40322438-C-T.
Other names: c.63+7G>A (NM_006483.3, NM_006484.3, NM_004714.2).
Identifiers: ClinVar variation 1803872 (VCV001803872.6), dbSNP rs563238934, ClinGen allele CA9434461.

ClinVar aggregate classification (germline): Conflicting classifications of pathogenicity. Review status: criteria provided, conflicting classifications (1 of 4 stars). 3 submissions from 3 submitters: Uncertain significance (1); Likely benign (1). 1 of the submissions does not count toward it. Last evaluated 2025-10-06.

Conditions:
Abdominal obesity-metabolic syndrome 3 (AOMS3). Also called: CENTRAL OBESITY, TYPE 2 DIABETES, HYPERTENSION, AND EARLY-ONSET CORONARY ARTERY DISEASE. Identifiers: MedGen C4014361, MONDO:0014352, OMIM 615812.
DYRK1B-related disorder. Also called: DYRK1B-related condition.

Allele frequency attached by ClinVar (database versions not stated): ExAC 0.00017; 1000 Genomes Project 30x 0.00031; 1000 Genomes Project 0.00040; gnomAD 0.00058; TOPMed 0.00129; gnomAD exomes 0.00005.
gnomAD v4.1: 185 of 1,548,770 alleles (0.012%); highest among the groups gnomAD compares: Admixed American, 0.23%; 1 homozygote.

Submissions (3):

Labcorp Genetics (formerly Invitae), Labcorp
Classification: Likely benign. Last evaluated: 2025-10-06. Review status: criteria provided, single submitter. Criteria: Invitae Variant Classification Sherloc (09022015). Collection method: clinical testing. Allele origin: germline.

New York Genome Center
Classification: Uncertain significance for Abdominal obesity-metabolic syndrome 3. Last evaluated: 2021-10-29. Review status: criteria provided, single submitter. Criteria: NYGC Assertion Criteria 2020. Collection method: clinical testing. Allele origin: germline. Observed: 1 heterozygote.

PreventionGenetics, part of Exact Sciences
Classification: Likely benign for DYRK1B-related condition. Last evaluated: 2021-04-27. Review status: no assertion criteria provided. Collection method: clinical testing. Allele origin: germline. Not counted in ClinVar's aggregate classification.
Comment: This variant is classified as likely benign based on ACMG/AMP sequence variant interpretation guidelines (Richards et al. 2015 PMID: 25741868, with internal and published modifications).